The following is an entry in ClinVar:

ClinVar aggregate classification (germline): Likely benign (1 of 4 stars; one submission).

Submission:

CeGaT Center for Human Genetics Tuebingen
Classification: Likely benign. Last evaluated: 2026-08-01. Review status: criteria provided, single submitter. Criteria: CeGaT Center For Human Genetics Tuebingen Variant Classification Criteria Version 2. Collection method: clinical testing. Allele origin: germline. Affected: yes. Observed: 2 variant alleles.
Comment: BTBD17: PM2:Supporting, BP4, BP7

NM_001080466.2(BTBD17):c.1044C>T (p.His348=)

Gene: BTBD17 (BTB domain containing 17; minus strand). Cytogenetic location: 17q25.1.
Variant type: single nucleotide variant.
Coding change: c.1044C>T on transcript NM_001080466.2 (MANE Select); coding-DNA position 1044, C replaced by T.
Protein change: p.His348=; no amino-acid change (histidine 348 retained).
Molecular consequence: synonymous variant.
Genome position (GRCh38, 1-based): chr17:74,357,050, G>A on the plus strand (C>T on the coding strand, the complement: BTBD17 is on the minus strand). VCF-style: chr17-74357050-G-A. GRCh37 (hg19) VCF-style: chr17-72353189-G-A.
Identifiers: ClinVar variation 4872781 (VCV004872781.2).